The following is an entry in ClinVar:

ClinVar aggregate classification (germline): Benign. Review status: reviewed by expert panel (3 of 4 stars). 2 submissions from 2 submitters: Benign (1). 1 of the submissions does not count toward it. Last evaluated 2024-11-04.

Conditions:
Hereditary thrombocytopenia and hematologic cancer predisposition syndrome. Identifiers: Orphanet 71290, MedGen CN281654, MONDO:0011071.

Allele frequency attached by ClinVar (database versions not stated): 1000 Genomes Project 0.16074; 1000 Genomes Project 30x 0.16708; gnomAD 0.16958 and 0.17527; TOPMed 0.18013.
gnomAD v4.1: 25,855 of 152,182 alleles (17%); highest among the groups gnomAD compares: African/African-American, 35%; 3,252 homozygotes.

Submissions (2):

ClinGen Myeloid Malignancy Variant Curation Expert Panel
Classification: Benign for Hereditary thrombocytopenia and hematologic cancer predisposition syndrome. Last evaluated: 2024-11-04. Review status: reviewed by expert panel. Criteria: ClinGen MyeloMalig ACMG Specifications v2. Collection method: curation. Allele origin: germline. Inheritance: Autosomal dominant inheritance.
Comment: NM_001754.5(RUNX1):c.351+301A>G is an intronic variant with a MAF of 0.35279 (3065/8688 alleles) in the African population of gnomAD 2.1 which is is ≥ 0.0015 (0.15%) (BA1). Splice AI predicts no impact to splicing (score: 0.00). (BP4). This variant has a SpliceAI score ≤ 0.20 (0.00) and evolutionary conservation algorithms predict the site as not being conserved (PhyloP score ≤ 2.0 (0.537) (BP7). In summary, this variant meets criteria to be classified as benign. ACMG/AMP criteria applied, as specified by the Myeloid Malignancy Variant Curation Expert Panel for RUNX1: BA1, BP4, BP7.

GeneDx
Classification: Benign. Last evaluated: 2018-10-24. Review status: criteria provided, single submitter. Criteria: GeneDx Variant Classification Process June 2021. Collection method: clinical testing. Allele origin: germline. Affected: yes. Not counted in ClinVar's aggregate classification.

NM_001754.5(RUNX1):c.351+301A>G

Gene: RUNX1 (RUNX family transcription factor 1; minus strand). Cytogenetic location: 21q22.12.
Variant type: single nucleotide variant.
Coding change: c.351+301A>G on transcript NM_001754.5 (MANE Select); 301 bases into the intron after coding-DNA position 351, A replaced by G.
Molecular consequence: intron variant.
Genome position (GRCh38, 1-based): chr21:34,886,542, T>C on the plus strand (A>G on the coding strand, the complement: RUNX1 is on the minus strand). VCF-style: chr21-34886542-T-C. GRCh37 (hg19) VCF-style: chr21-36258839-T-C.
Other names: c.270+301A>G (NM_001001890.3, NM_001122607.2).
Identifiers: ClinVar variation 1270465 (VCV001270465.2), dbSNP rs8126699, ClinGen allele CA14860307.